The following is an entry in ClinVar:

ClinVar aggregate classification (germline): Uncertain significance. Review status: criteria provided, multiple submitters, no conflicts (2 of 4 stars). 3 submissions from 3 submitters: Uncertain significance (3). Last evaluated 2026-01-25.

Conditions:
Familial hypobetalipoproteinemia 1. Also called: APOB-Related Familial Hypobetalipoproteinemia; Hypobetalipoproteinemia, normotriglyceridemic; Acanthocytosis with hypobetalipoproteinemia. Identifiers: MedGen C4551990, MONDO:0014252, OMIM 615558.
Hypercholesterolemia, autosomal dominant, type B (FHCL2). Also called: Familial hypercholesterolemia 2; Hyperlipoproteinemia Type IIb; Familial Hypercholesterolemia Type B; APOLIPOPROTEIN B-100, FAMILIAL DEFECTIVE; APOLIPOPROTEIN B-100, FAMILIAL LIGAND-DEFECTIVE; HYPERCHOLESTEROLEMIA, FAMILIAL, DUE TO LIGAND-DEFECTIVE APOLIPOPROTEIN B. Identifiers: MedGen C1704417, MONDO:0007751, OMIM 144010.
Cardiovascular phenotype. Identifiers: MedGen CN230736.

Allele frequency attached by ClinVar (database versions not stated): gnomAD exomes below 0.00001; TOPMed below 0.00001; gnomAD 0.00001.
gnomAD v4.1: 7 of 1,609,954 alleles (0.00043%); highest among the groups gnomAD compares: Non-Finnish European, 0.0006%; no homozygotes.

Submissions (3):

GeneDx
Classification: Uncertain significance. Last evaluated: 2026-01-25. Review status: criteria provided, single submitter. Criteria: GeneDx Variant Classification Process June 2021. Collection method: clinical testing. Allele origin: germline.
Comment: Not observed at significant frequency in large population cohorts (gnomAD); In silico analysis supports that this missense variant has a deleterious effect on protein structure/function; Has not been previously published as pathogenic or benign to our knowledge

Labcorp Genetics (formerly Invitae), Labcorp
Classification: Uncertain significance for Familial hypobetalipoproteinemia 1; Hypercholesterolemia, autosomal dominant, type B. Last evaluated: 2024-06-12. Review status: criteria provided, single submitter. Criteria: Invitae Variant Classification Sherloc (09022015). Collection method: clinical testing. Allele origin: germline.
Comment: This sequence change replaces glutamic acid, which is acidic and polar, with lysine, which is basic and polar, at codon 689 of the APOB protein (p.Glu689Lys). This variant is not present in population databases (gnomAD no frequency). This variant has not been reported in the literature in individuals affected with APOB-related conditions. ClinVar contains an entry for this variant (Variation ID: 2565869). An algorithm developed to predict the effect of missense changes on protein structure and function (PolyPhen-2) suggests that this variant is likely to be disruptive. In summary, the available evidence is currently insufficient to determine the role of this variant in disease. Therefore, it has been classified as a Variant of Uncertain Significance.

Ambry Genetics
Classification: Uncertain significance for Cardiovascular phenotype. Last evaluated: 2023-05-21. Review status: criteria provided, single submitter. Criteria: Ambry Variant Classification Scheme 2023. Collection method: clinical testing. Allele origin: germline.
Comment: The p.E689K variant (also known as c.2065G>A), located in coding exon 14 of the APOB gene, results from a G to A substitution at nucleotide position 2065. The glutamic acid at codon 689 is replaced by lysine, an amino acid with similar properties. This amino acid position is conserved. In addition, this alteration is predicted to be deleterious by in silico analysis. Since supporting evidence is limited at this time, the clinical significance of this alteration remains unclear.

NM_000384.3(APOB):c.2065G>A (p.Glu689Lys)

Gene: APOB (apolipoprotein B; minus strand). Cytogenetic location: 2p24.1.
Variant type: single nucleotide variant.
Coding change: c.2065G>A on transcript NM_000384.3 (MANE Select); coding-DNA position 2065, G replaced by A.
Protein change: p.Glu689Lys; replaces glutamic acid 689 with lysine.
Molecular consequence: missense variant.
Genome position (GRCh38, 1-based): chr2:21,027,830, C>T on the plus strand (G>A on the coding strand, the complement: APOB is on the minus strand). VCF-style: chr2-21027830-C-T. GRCh37 (hg19) VCF-style: chr2-21250702-C-T.
Other names: short protein forms E689K.
Identifiers: ClinVar variation 2565869 (VCV002565869.5), dbSNP rs895052788, ClinGen allele CA43523615.